The following is an entry in ClinVar:

ClinVar aggregate classification (germline): Likely benign. Review status: criteria provided, multiple submitters, no conflicts (2 of 4 stars). 8 submissions from 8 submitters: Likely benign (4). 4 of the submissions do not count toward it. Last evaluated 2026-01-05.

Conditions:
Generalized epilepsy with febrile seizures plus, type 7 (GEFSP7). Also called: GEFS+, TYPE 7. Identifiers: Orphanet 36387, MedGen C2751778, MONDO:0013470, OMIM 613863.
Neuropathy, hereditary sensory and autonomic, type 2A (HSAN2A). Also called: WNK1-Related HSAN2 (HSAN2A); HSAN IIA; MORVAN DISEASE; NEUROPATHY, CONGENITAL SENSORY; NEUROPATHY, HEREDITARY SENSORY RADICULAR, AUTOSOMAL RECESSIVE; NEUROPATHY, HEREDITARY SENSORY, TYPE IIA. Identifiers: Orphanet 970, MedGen C2752089, MONDO:0024309, OMIM 201300.
Inborn genetic diseases. Identifiers: MedGen C0950123, MeSH D030342.
SCN9A-related disorder. Also called: SCN9A-related disorders; SCN9A-related condition.

Allele frequency attached by ClinVar (database versions not stated): TOPMed 0.00007; gnomAD 0.00010; gnomAD exomes 0.00013 and 0.00029; ExAC 0.00017.
gnomAD v4.1: 429 of 1,613,348 alleles (0.027%); highest among the groups gnomAD compares: Non-Finnish European, 0.034%; no homozygotes.

Submissions (8):

Labcorp Genetics (formerly Invitae), Labcorp
Classification: Likely benign for Neuropathy, hereditary sensory and autonomic, type 2A; Generalized epilepsy with febrile seizures plus, type 7. Last evaluated: 2026-01-05. Review status: criteria provided, single submitter. Criteria: Invitae Variant Classification Sherloc (09022015). Collection method: clinical testing. Allele origin: germline.

Blueprint Genetics
Classification: Likely benign. Last evaluated: 2024-07-23. Review status: criteria provided, single submitter. Criteria: ACMG Guidelines, 2015. Collection method: clinical testing. Allele origin: germline.

GeneDx
Classification: Likely benign. Last evaluated: 2021-03-11. Review status: criteria provided, single submitter. Criteria: GeneDx Variant Classification Process June 2021. Collection method: clinical testing. Allele origin: germline. Affected: yes.

Ambry Genetics
Classification: Likely benign for Inborn genetic diseases. Last evaluated: 2019-07-11. Review status: criteria provided, single submitter. Criteria: Ambry Variant Classification Scheme 2023. Collection method: clinical testing. Allele origin: germline.

PreventionGenetics, part of Exact Sciences
Classification: Likely benign for SCN9A-related condition. Last evaluated: 2019-11-12. Review status: no assertion criteria provided. Collection method: clinical testing. Allele origin: germline. Not counted in ClinVar's aggregate classification.
Comment: This variant is classified as likely benign based on ACMG/AMP sequence variant interpretation guidelines (Richards et al. 2015 PMID: 25741868, with internal and published modifications).

Clinical Genetics DNA and cytogenetics Diagnostics Lab, Erasmus MC, Erasmus Medical Center
Classification: Likely benign. Review status: no assertion criteria provided. Collection method: clinical testing. Allele origin: germline. Affected: yes. Study: VKGL Data-share Consensus. Not counted in ClinVar's aggregate classification.

Clinical Genetics, Academic Medical Center
Classification: Benign. Review status: no assertion criteria provided. Collection method: clinical testing. Allele origin: germline. Affected: yes. Study: VKGL Data-share Consensus. Not counted in ClinVar's aggregate classification.

Joint Genome Diagnostic Labs from Nijmegen and Maastricht, Radboudumc and MUMC+
Classification: Likely benign. Review status: no assertion criteria provided. Collection method: clinical testing. Allele origin: germline. Affected: yes. Study: VKGL Data-share Consensus. Not counted in ClinVar's aggregate classification.

NM_001365536.1(SCN9A):c.3207C>T (p.His1069=)

Genes: SCN1A-AS1 (SCN1A and SCN9A antisense RNA 1; plus strand), SCN9A (sodium voltage-gated channel alpha subunit 9; minus strand). Cytogenetic location: 2q24.3.
Variant type: single nucleotide variant.
Coding change: c.3207C>T on transcript NM_001365536.1 (MANE Select); coding-DNA position 3207, C replaced by T.
Protein change: p.His1069=; no amino-acid change (histidine 1069 retained).
Molecular consequence: synonymous variant.
Genome position (GRCh38, 1-based): chr2:166,272,543, G>A on the plus strand (C>T on the coding strand, the complement: SCN9A is on the minus strand). VCF-style: chr2-166272543-G-A. GRCh37 (hg19) VCF-style: chr2-167129053-G-A.
Other names: c.3174C>T, p.His1058= (NM_002977.4).
Identifiers: ClinVar variation 387818 (VCV000387818.22), dbSNP rs200689065, ClinGen allele CA1944125.
Genomic context (GRCh38, chr2:166,272,543, plus strand): 5'-CACTGTCACTGTGAGGCTGGGATTGTGAATAAATGATTGACCATCACTGTCTTCCATCAA[G>A]TGTTTGTCCACGCTGCTTCCAAAACCACTGATTTTATCTTTTTCCTTGAGGAAATTGTGA-3'
Protein context (NP_001352465.1, residues 1059-1079): ISGFGSSVDK[His1069=]LMEDSDGQSF